The following is an entry in ClinVar:

ClinVar aggregate classification (germline): Uncertain significance. Review status: criteria provided, multiple submitters, no conflicts (2 of 4 stars). 5 submissions from 5 submitters: Uncertain significance (4). 1 of the submissions does not count toward it. Last evaluated 2026-02-01.

Conditions:
Familial hyperaldosteronism type II. Also called: FH II. Identifiers: Orphanet 404, MedGen C1854107, MONDO:0011576, OMIM 605635.
Epilepsy, idiopathic generalized, susceptibility to, 11 (EIG11). Identifiers: Orphanet 307, MedGen C2750893, MONDO:0011875, OMIM 607628.
Leukoencephalopathy with mild cerebellar ataxia and white matter edema (LKPAT). Also called: CLCN2-Related Leukoencephalopathy; Leukoencephalopathy with white matter edema; Brain white matter edema; Leukoencephalopathy with ataxia. Identifiers: Orphanet 363540, MedGen C4554120, MONDO:0014292, OMIM 615651. Disease mechanism: loss of function.

Allele frequency attached by ClinVar (database versions not stated): gnomAD 0.00002 and 0.00003; gnomAD exomes 0.00007 and 0.00004; ExAC 0.00006; TOPMed 0.00002.
gnomAD v4.1: 110 of 1,613,588 alleles (0.0068%); highest among the groups gnomAD compares: Middle Eastern, 0.017%; no homozygotes.

Submissions (5):

CeGaT Center for Human Genetics Tuebingen
Classification: Uncertain significance. Last evaluated: 2026-02-01. Review status: criteria provided, single submitter. Criteria: CeGaT Center For Human Genetics Tuebingen Variant Classification Criteria Version 2. Collection method: clinical testing. Allele origin: germline. Affected: yes. Observed: 2 variant alleles.
Comment: CLCN2: PM2, BP4

Fulgent Genetics
Classification: Uncertain significance for Familial hyperaldosteronism type II; Epilepsy, idiopathic generalized, susceptibility to, 11; Leukoencephalopathy with mild cerebellar ataxia and white matter edema. Last evaluated: 2024-02-26. Review status: criteria provided, single submitter. Criteria: ACMG Guidelines, 2015. Collection method: clinical testing. Allele origin: germline.

Blueprint Genetics
Classification: Uncertain significance. Last evaluated: 2023-02-27. Review status: criteria provided, single submitter. Criteria: ACMG Guidelines, 2015. Collection method: clinical testing. Allele origin: germline.

Labcorp Genetics (formerly Invitae), Labcorp
Classification: Uncertain significance. Last evaluated: 2022-05-12. Review status: criteria provided, single submitter. Criteria: Invitae Variant Classification Sherloc (09022015). Collection method: clinical testing. Allele origin: germline.
Comment: This sequence change replaces alanine, which is neutral and non-polar, with valine, which is neutral and non-polar, at codon 760 of the CLCN2 protein (p.Ala760Val). This variant is present in population databases (rs781034991, gnomAD 0.007%). This missense change has been observed in individual(s) with epilepsy (PMID: 21703448). ClinVar contains an entry for this variant (Variation ID: 217782). Advanced modeling of protein sequence and biophysical properties (such as structural, functional, and spatial information, amino acid conservation, physicochemical variation, residue mobility, and thermodynamic stability) performed at Invitae indicates that this missense variant is not expected to disrupt CLCN2 protein function. In summary, the available evidence is currently insufficient to determine the role of this variant in disease. Therefore, it has been classified as a Variant of Uncertain Significance.

GeneReviews
No classification provided. Condition: Leukoencephalopathy with mild cerebellar ataxia and white matter edema. Review status: no classification provided. Collection method: literature only. Allele origin: germline. Affected: yes. Not counted in ClinVar's aggregate classification.

Literature cited by the submitters: PubMed 21703448 (cited by Labcorp Genetics (formerly Invitae), Labcorp and GeneReviews); NCBI Bookshelf NBK326661 (cited by GeneReviews).

NM_004366.6(CLCN2):c.2279C>T (p.Ala760Val)

Gene: CLCN2 (chloride voltage-gated channel 2; minus strand). Cytogenetic location: 3q27.1.
Variant type: single nucleotide variant.
Coding change: c.2279C>T on transcript NM_004366.6 (MANE Select); coding-DNA position 2279, C replaced by T.
Protein change: p.Ala760Val; replaces alanine 760 with valine.
Molecular consequence: missense variant.
Genome position (GRCh38, 1-based): chr3:184,352,324, G>A on the plus strand (C>T on the coding strand, the complement: CLCN2 is on the minus strand). VCF-style: chr3-184352324-G-A. GRCh37 (hg19) VCF-style: chr3-184070112-G-A.
Other names: c.2228C>T, p.Ala743Val (NM_001171087.3); c.2147C>T, p.Ala716Val (NM_001171088.3); c.2279C>T, p.Ala760Val (NM_001171089.3); short protein forms A760V, A743V, A716V.
Identifiers: ClinVar variation 217782 (VCV000217782.25), dbSNP rs781034991, ClinGen allele CA347661.
Genomic context (GRCh38, chr3:184,352,324, plus strand): 5'-ACAGGGTCCAGAGTCCAGTGGCACCTTACCTCTTCAGGGCTCATCTCGCCTTCCAGGTCC[G>A]CGTCACTCTAGTAGAGAGGGAGGGAGGCTGGCAGCTAGGGGCTCTGGAGTTTATCCAGCC-3'
Protein context (NP_004357.3, residues 750-770): KRVRISLASD[Ala760Val]DLEGEMSPEE